The following is an entry in ClinVar:

NM_002880.4(RAF1):c.1768A>G (p.Lys590Glu)

Gene: RAF1 (Raf-1 proto-oncogene, serine/threonine kinase; minus strand). Cytogenetic location: 3p25.2.
Variant type: single nucleotide variant.
Coding change: c.1768A>G on transcript NM_002880.4 (MANE Select); coding-DNA position 1768, A replaced by G.
Protein change: p.Lys590Glu; replaces lysine 590 with glutamic acid.
Molecular consequence: missense variant. On other transcripts: non-coding transcript variant (3).
Genome position (GRCh38, 1-based): chr3:12,584,882, T>C on the plus strand (A>G on the coding strand, the complement: RAF1 is on the minus strand). VCF-style: chr3-12584882-T-C. GRCh37 (hg19) VCF-style: chr3-12626381-T-C.
Other names: c.1768A>G (NM_002880.3); c.1828A>G, p.Lys610Glu (NM_001354689.3); c.1768A>G, p.Lys590Glu (NM_001354690.3); c.1525A>G, p.Lys509Glu (NM_001354691.3, NM_001354692.3); c.1669A>G, p.Lys557Glu (NM_001354693.3); c.1585A>G, p.Lys529Glu (NM_001354694.3); c.1426A>G, p.Lys476Glu (NM_001354695.3); short protein forms K476E, K509E, K529E, K557E, K590E, K610E.
Identifiers: ClinVar variation 1014430 (VCV001014430.10), dbSNP rs763060701, ClinGen allele CA2259422.

ClinVar aggregate classification (germline): Uncertain significance. Review status: criteria provided, multiple submitters, no conflicts (2 of 4 stars). 3 submissions from 3 submitters: Uncertain significance (3). Last evaluated 2026-08-01.

Conditions:
RASopathy. Also called: rasopathies; Noonan spectrum disorder. Identifiers: Orphanet 536391, MedGen C5555857, MONDO:0021060.

Allele frequency attached by ClinVar (database versions not stated): gnomAD exomes below 0.00001 and 0.00001; ExAC 0.00001.
gnomAD v4.1: 3 of 1,614,194 alleles (0.00019%); highest among the groups gnomAD compares: Admixed American, 0.0033%; no homozygotes.

Submissions (3):

CeGaT Center for Human Genetics Tuebingen
Classification: Uncertain significance. Last evaluated: 2026-08-01. Review status: criteria provided, single submitter. Criteria: CeGaT Center For Human Genetics Tuebingen Variant Classification Criteria Version 2. Collection method: clinical testing. Allele origin: germline. Affected: yes. Observed: 1 variant allele.

GeneDx
Classification: Uncertain significance. Last evaluated: 2026-01-31. Review status: criteria provided, single submitter. Criteria: GeneDx Variant Classification Process June 2021. Collection method: clinical testing. Allele origin: germline.
Comment: Missense variants in this gene are a common cause of disease and they are underrepresented in the general population; In silico analysis supports that this missense variant has a deleterious effect on protein structure/function; Has not been previously published as pathogenic or benign to our knowledge; This variant is associated with the following publications: (PMID: 29493581)

Labcorp Genetics (formerly Invitae), Labcorp
Classification: Uncertain significance for RASopathy. Last evaluated: 2020-10-26. Review status: criteria provided, single submitter. Criteria: Invitae Variant Classification Sherloc (09022015). Collection method: clinical testing. Allele origin: germline.
Comment: This sequence change replaces lysine with glutamic acid at codon 590 of the RAF1 protein (p.Lys590Glu). The lysine residue is moderately conserved and there is a small physicochemical difference between lysine and glutamic acid. This variant is present in population databases (rs763060701, ExAC 0.009%). This variant has not been reported in the literature in individuals with RAF1-related disease. Algorithms developed to predict the effect of missense changes on protein structure and function (SIFT, PolyPhen-2, Align-GVGD) all suggest that this variant is likely to be tolerated, but these predictions have not been confirmed by published functional studies and their clinical significance is uncertain. In summary, the available evidence is currently insufficient to determine the role of this variant in disease. Therefore, it has been classified as a Variant of Uncertain Significance.